The following is an entry in ClinVar:

ClinVar aggregate classification (germline): Pathogenic (1 of 4 stars; one submission).

Conditions:
Pelizaeus-Merzbacher disease. Also called: Pelizeaus-Merzbacher spectrum disorder; Sudanophilic leukodystrophy; LEUKODYSTROPHY, HYPOMYELINATING, 1; Pelizaeus-Merzbacher spectrum disorder; Pelizaeus-Merzbacher Disease (PMD). Identifiers: Orphanet 702, MedGen C0205711, MONDO:0010714, OMIM 312080, HP:0003269.

Submission:

Baylor Genetics
Classification: Pathogenic for Pelizaeus-Merzbacher disease. Last evaluated: 2017-09-01. Review status: criteria provided, single submitter. Criteria: ACMG Guidelines, 2015. Collection method: clinical testing. Allele origin: de novo. Inheritance: X-linked inheritance. Affected: yes.

Literature cited by the submitters: PubMed 25326635.

NM_000533.5(PLP1):c.166C>T (p.Gln56Ter)

Genes: PLP1 (proteolipid protein 1; plus strand), RAB9B (RAB9B, member RAS oncogene family; minus strand). Cytogenetic location: Xq22.2.
Variant type: single nucleotide variant.
Coding change: c.166C>T on transcript NM_000533.5 (MANE Select); coding-DNA position 166, C replaced by T.
Protein change: p.Gln56Ter; replaces glutamine 56 with a stop codon.
Molecular consequence: nonsense. On other transcripts: intron variant (1).
Genome position (GRCh38, 1-based): chrX:103,785,743, C>T. VCF-style: chrX-103785743-C-T. GRCh37 (hg19) VCF-style: chrX-103040672-C-T.
Other names: c.166C>T, p.Gln56Ter (NM_001128834.3, NM_199478.3); c.5-4C>T (NM_001305004.1); short protein forms Q56*.
Identifiers: ClinVar variation 561088 (VCV000561088.2), dbSNP rs1569427311, ClinGen allele CA414102309.